The following is an entry in ClinVar:

ClinVar aggregate classification (germline): Uncertain significance (1 of 4 stars; one submission).

Submission:

GeneDx
Classification: Uncertain significance. Last evaluated: 2024-05-16. Review status: criteria provided, single submitter. Criteria: GeneDx Variant Classification Process June 2021. Collection method: clinical testing. Allele origin: germline. Affected: yes.
Comment: Not observed at significant frequency in large population cohorts (gnomAD); In silico analysis indicates that this missense variant does not alter protein structure/function; Has not been previously published as pathogenic or benign to our knowledge

NM_001385012.1(NBEA):c.5573A>G (p.Asn1858Ser)

Gene: NBEA (neurobeachin; plus strand). Cytogenetic location: 13q13.3.
Variant type: single nucleotide variant.
Coding change: c.5573A>G on transcript NM_001385012.1 (MANE Select); coding-DNA position 5573, A replaced by G.
Protein change: p.Asn1858Ser; replaces asparagine 1858 with serine.
Molecular consequence: missense variant.
Genome position (GRCh38, 1-based): chr13:35,211,104, A>G. VCF-style: chr13-35211104-A-G. GRCh37 (hg19) VCF-style: chr13-35785241-A-G.
Other names: c.5564A>G, p.Asn1855Ser (NM_001379245.1); c.5573A>G, p.Asn1858Ser (NM_015678.5); short protein forms N1855S, N1858S.
Identifiers: ClinVar variation 3378389 (VCV003378389.1).